The following is an entry in ClinVar:

NM_000836.4(GRIN2D):c.2188C>T (p.His730Tyr)

Gene: GRIN2D (glutamate ionotropic receptor NMDA type subunit 2D; plus strand). Cytogenetic location: 19q13.33.
Variant type: single nucleotide variant.
Coding change: c.2188C>T on transcript NM_000836.4 (MANE Select); coding-DNA position 2188, C replaced by T.
Protein change: p.His730Tyr; replaces histidine 730 with tyrosine.
Molecular consequence: missense variant.
Genome position (GRCh38, 1-based): chr19:48,421,881, C>T. VCF-style: chr19-48421881-C-T. GRCh37 (hg19) VCF-style: chr19-48925138-C-T.
Other names: short protein forms H730Y.
Identifiers: ClinVar variation 5009486 (VCV005009486.1).

ClinVar aggregate classification (germline): Uncertain significance (1 of 4 stars; one submission).

Submission:

GeneDx
Classification: Uncertain significance. Last evaluated: 2026-03-19. Review status: criteria provided, single submitter. Criteria: GeneDx Variant Classification Process June 2021. Collection method: clinical testing. Allele origin: germline.
Comment: Not observed at significant frequency in large population cohorts (gnomAD); In silico analysis supports that this missense variant has a deleterious effect on protein structure/function; Has not been previously published as pathogenic or benign to our knowledge